The following is an entry in ClinVar:

NM_005529.7(HSPG2):c.6110G>A (p.Arg2037Gln)

Gene: HSPG2 (heparan sulfate proteoglycan 2; minus strand). Cytogenetic location: 1p36.12.
Variant type: single nucleotide variant.
Coding change: c.6110G>A on transcript NM_005529.7 (MANE Select); coding-DNA position 6110, G replaced by A.
Protein change: p.Arg2037Gln; replaces arginine 2037 with glutamine.
Molecular consequence: missense variant.
Genome position (GRCh38, 1-based): chr1:21,854,871, C>T on the plus strand (G>A on the coding strand, the complement: HSPG2 is on the minus strand). VCF-style: chr1-21854871-C-T. GRCh37 (hg19) VCF-style: chr1-22181364-C-T.
Other names: c.6113G>A, p.Arg2038Gln (NM_001291860.2); short protein forms R2037Q, R2038Q.
Identifiers: ClinVar variation 876263 (VCV000876263.8), dbSNP rs760003870, ClinGen allele CA671676.

ClinVar aggregate classification (germline): Uncertain significance. Review status: criteria provided, multiple submitters, no conflicts (2 of 4 stars). 4 submissions from 3 submitters: Uncertain significance (4). Last evaluated 2025-08-11.

Conditions:
Lethal Kniest-like syndrome (DDSH). Also called: Dyssegmental Dysplasia. Identifiers: Orphanet 1865, MedGen C1857100, MONDO:0009140, OMIM 224410.
Schwartz-Jampel syndrome. Also called: Myotonic myopathy dwarfism chondrodystrophy and ocular and facial abnormalities. Identifiers: Orphanet 800, MedGen C0036391, MONDO:0009717.
Inborn genetic diseases. Identifiers: MedGen C0950123, MeSH D030342.

Allele frequency attached by ClinVar (database versions not stated): TOPMed 0.00003; ExAC 0.00004; gnomAD 0.00004; gnomAD exomes 0.00005.
gnomAD v4.1: 63 of 1,614,086 alleles (0.0039%); highest among the groups gnomAD compares: Admixed American, 0.0067%; no homozygotes.

Submissions (4):

Ambry Genetics
Classification: Uncertain significance for Inborn genetic diseases. Last evaluated: 2025-08-11. Review status: criteria provided, single submitter. Criteria: Ambry Variant Classification Scheme 2023. Collection method: clinical testing. Allele origin: germline.

Labcorp Genetics (formerly Invitae), Labcorp
Classification: Uncertain significance. Last evaluated: 2022-08-31. Review status: criteria provided, single submitter. Criteria: Invitae Variant Classification Sherloc (09022015). Collection method: clinical testing. Allele origin: germline.
Comment: This sequence change replaces arginine, which is basic and polar, with glutamine, which is neutral and polar, at codon 2037 of the HSPG2 protein (p.Arg2037Gln). This variant is present in population databases (rs760003870, gnomAD 0.009%). This variant has not been reported in the literature in individuals affected with HSPG2-related conditions. ClinVar contains an entry for this variant (Variation ID: 876263). Algorithms developed to predict the effect of missense changes on protein structure and function are either unavailable or do not agree on the potential impact of this missense change (SIFT: "Deleterious"; PolyPhen-2: "Probably Damaging"; Align-GVGD: "Class C0"). In summary, the available evidence is currently insufficient to determine the role of this variant in disease. Therefore, it has been classified as a Variant of Uncertain Significance.

Illumina Laboratory Services, Illumina
Classification: Uncertain significance for Lethal Kniest-like syndrome. Last evaluated: 2018-01-13. Review status: criteria provided, single submitter. Criteria: ICSL Variant Classification Criteria 13 December 2019. Collection method: clinical testing. Allele origin: germline.

Illumina Laboratory Services, Illumina
Classification: Uncertain significance for Schwartz-Jampel syndrome type 1. Last evaluated: 2018-01-13. Review status: criteria provided, single submitter. Criteria: ICSL Variant Classification Criteria 13 December 2019. Collection method: clinical testing. Allele origin: germline.